The following is an entry in ClinVar:

ClinVar aggregate classification (germline): Pathogenic/Likely pathogenic. Review status: criteria provided, multiple submitters, no conflicts (2 of 4 stars). 2 submissions from 2 submitters: Pathogenic (1); Likely pathogenic (1). Last evaluated 2023-09-29.

Conditions:
Nemaline myopathy 2 (NEM2). Also called: Nemaline myopathy 2, autosomal recessive. Identifiers: MedGen C1850569, MONDO:0009725, OMIM 256030.
Arthrogryposis multiplex congenita 6. Identifiers: MedGen C5543431, MONDO:0030281, OMIM 619334.

Submissions (2):

Labcorp Genetics (formerly Invitae), Labcorp
Classification: Pathogenic for Nemaline myopathy 2. Last evaluated: 2023-09-29. Review status: criteria provided, single submitter. Criteria: Invitae Variant Classification Sherloc (09022015). Collection method: clinical testing. Allele origin: germline.
Comment: For these reasons, this variant has been classified as Pathogenic. This variant has not been reported in the literature in individuals affected with NEB-related conditions. This variant is not present in population databases (gnomAD no frequency). This sequence change creates a premature translational stop signal (p.Met2517Ilefs*13) in the NEB gene. It is expected to result in an absent or disrupted protein product. Loss-of-function variants in NEB are known to be pathogenic (PMID: 25205138).

Baylor Genetics
Classification: Likely pathogenic for Arthrogryposis multiplex congenita 6. Last evaluated: 2023-07-19. Review status: criteria provided, single submitter. Criteria: ACMG Guidelines, 2015. Collection method: clinical testing. Allele origin: unknown.

Literature cited by the submitters: PubMed 25205138 (cited by Labcorp Genetics (formerly Invitae), Labcorp).

NM_001164508.2(NEB):c.7551_7558del (p.Met2517fs)

Gene: NEB (nebulin; minus strand). Cytogenetic location: 2q23.3.
Variant type: Deletion.
Coding change: c.7551_7558del on transcript NM_001164508.2 (MANE Select); coding-DNA positions 7551 to 7558, 8 bases deleted (GGGTTATG; older notation c.7551_7558delGGGTTATG).
Protein change: p.Met2517fs; shifts the reading frame from methionine 2517.
Molecular consequence: frameshift variant.
Genome position (GRCh38, 1-based): chr2:151,644,554-151,644,561, CATAACCC deleted on the plus strand (GGGTTATG on the coding strand, the reverse complement: NEB is on the minus strand). VCF-style (leftmost placement, unchanged base first): chr2-151644553-TCATAACCC-T. GRCh37 (hg19) VCF-style: chr2-152501067-TCATAACCC-T.
Other names: c.7551_7558del, p.Met2517fs (NM_001164507.2, NM_001271208.2, NM_004543.5); c.7551_7558delGGGTTATG, p.Met2517Ilefs (NM_001271208.1); c.7551_7558del (NM_001271208.1); short protein forms M2517fs.
Identifiers: ClinVar variation 2677073 (VCV002677073.4), dbSNP rs2552247699, ClinGen allele CA2695197058.